The following is an entry in ClinVar:

NM_003872.3(NRP2):c.2595C>T (p.Ile865=)

Gene: NRP2 (neuropilin 2; plus strand). Cytogenetic location: 2q33.3.
Variant type: single nucleotide variant.
Coding change: c.2595C>T on transcript NM_003872.3 (MANE Select); coding-DNA position 2595, C replaced by T.
Protein change: p.Ile865=; no amino-acid change (isoleucine 865 retained).
Molecular consequence: synonymous variant.
Genome position (GRCh38, 1-based): chr2:205,794,872, C>T. VCF-style: chr2-205794872-C-T. GRCh37 (hg19) VCF-style: chr2-206659596-C-T.
Other names: c.2610C>T, p.Ile870= (NM_201266.2); c.2544C>T, p.Ile848= (NM_201279.2).
Identifiers: ClinVar variation 3358206 (VCV003358206.1).

ClinVar aggregate classification (germline): Likely benign (0 of 4 stars; one submission).

Conditions:
NRP2-related disorder. Also called: NRP2-related condition.

gnomAD v4.1: 28 of 1,614,076 alleles (0.0017%); highest among the groups gnomAD compares: Admixed American, 0.015%; no homozygotes.

Submission:

PreventionGenetics, part of Exact Sciences
Classification: Likely benign for NRP2-related condition. Last evaluated: 2024-06-24. Review status: no assertion criteria provided. Collection method: clinical testing. Allele origin: germline.
Comment: This variant is classified as likely benign based on ACMG/AMP sequence variant interpretation guidelines (Richards et al. 2015 PMID: 25741868, with internal and published modifications).